The following is an entry in ClinVar:

ClinVar aggregate classification (germline): Pathogenic (1 of 4 stars; one submission).

Conditions:
Primary ciliary dyskinesia 3. Identifiers: Orphanet 244, MedGen C1837618, MONDO:0012085, OMIM 608644.

Submission:

Myriad Genetics, Inc.
Classification: Pathogenic for Primary ciliary dyskinesia 3. Last evaluated: 2024-05-14. Review status: criteria provided, single submitter. Criteria: Myriad Autosomal Dominant, Autosomal Recessive and X-Linked Classification Criteria (2023). Collection method: clinical testing. Allele origin: unknown.
Comment: NM_001369.2(DNAH5):c.4659_4668del10ins3(N1553Kfs*19) is expected to be pathogenic in the context of primary ciliary dyskinesia, DNAH5-related. This variant is predicted to lead to an abnormal or absent protein product due to the creation of a premature termination codon in DNAH5, a gene where loss-of-function variants are known to be pathogenic. Please note: this variant was assessed in the context of healthy population screening.

NM_001369.3(DNAH5):c.4659_4668delinsAGA (p.Asn1553fs)

Genes: DNAH5 (dynein axonemal heavy chain 5; minus strand), DNAH5-AS1 (DNAH5 antisense RNA 1; plus strand). Cytogenetic location: 5p15.2.
Variant type: Indel.
Coding change: c.4659_4668delinsAGA on transcript NM_001369.3 (MANE Select); coding-DNA positions 4659 to 4668, TGAATGGGAC replaced by AGA.
Protein change: p.Asn1553fs; shifts the reading frame from asparagine 1553.
Molecular consequence: frameshift variant.
Genome position (GRCh38, 1-based): chr5:13,862,676-13,862,685, GTCCCATTCA replaced by TCT on the plus strand (TGAATGGGAC replaced by AGA on the coding strand, the reverse complement: DNAH5 is on the minus strand). VCF-style: chr5-13862676-GTCCCATTCA-TCT. GRCh37 (hg19) VCF-style: chr5-13862785-GTCCCATTCA-TCT.
Other names: short protein forms N1553fs.
Identifiers: ClinVar variation 5011074 (VCV005011074.1).